The following is an entry in ClinVar:

ClinVar aggregate classification (germline): Uncertain significance. Review status: criteria provided, multiple submitters, no conflicts (2 of 4 stars). 2 submissions from 2 submitters: Uncertain significance (2). Last evaluated 2025-08-20.

Submissions (2):

Labcorp Genetics (formerly Invitae), Labcorp
Classification: Uncertain significance. Last evaluated: 2025-08-20. Review status: criteria provided, single submitter. Criteria: Invitae Variant Classification Sherloc (09022015). Collection method: clinical testing. Allele origin: germline.
Comment: This sequence change replaces arginine, which is basic and polar, with glutamine, which is neutral and polar, at codon 40 of the PPP2R5B protein (p.Arg40Gln). This variant is present in population databases (rs751546233, gnomAD 0.005%). This variant has not been reported in the literature in individuals affected with PPP2R5B-related conditions. ClinVar contains an entry for this variant (Variation ID: 3937261). An algorithm developed to predict the effect of missense changes on protein structure and function (PolyPhen-2) suggests that this variant is likely to be disruptive. In summary, the available evidence is currently insufficient to determine the role of this variant in disease. Therefore, it has been classified as a Variant of Uncertain Significance.

Ambry Genetics
Classification: Uncertain significance. Last evaluated: 2025-05-29. Review status: criteria provided, single submitter. Criteria: Ambry Variant Classification Scheme 2023. Collection method: clinical testing. Allele origin: germline.

NM_006244.4(PPP2R5B):c.119G>A (p.Arg40Gln)

Gene: PPP2R5B (protein phosphatase 2 regulatory subunit B'beta; plus strand). Cytogenetic location: 11q13.1.
Variant type: single nucleotide variant.
Coding change: c.119G>A on transcript NM_006244.4 (MANE Select); coding-DNA position 119, G replaced by A.
Protein change: p.Arg40Gln; replaces arginine 40 with glutamine.
Molecular consequence: missense variant.
Genome position (GRCh38, 1-based): chr11:64,925,853, G>A. VCF-style: chr11-64925853-G-A. GRCh37 (hg19) VCF-style: chr11-64693325-G-A.
Other names: short protein forms R40Q.
Identifiers: ClinVar variation 3937261 (VCV003937261.2).